The following is an entry in ClinVar:

NM_000127.3(EXT1):c.951del (p.Glu318fs)

Gene: EXT1 (exostosin glycosyltransferase 1; minus strand). Cytogenetic location: 8q24.11.
Variant type: Deletion.
Coding change: c.951del on transcript NM_000127.3 (MANE Select); coding-DNA position 951, one base deleted (C; older notation c.951delC).
Protein change: p.Glu318fs; shifts the reading frame from glutamic acid 318.
Molecular consequence: frameshift variant.
Genome position (GRCh38, 1-based): chr8:118,110,096, G deleted on the plus strand (C on the coding strand, the reverse complement: EXT1 is on the minus strand); the first of 2 consecutive G bases (chr8:118,110,096-118,110,097); deleting either gives the same sequence. VCF-style (leftmost placement, unchanged base first): chr8-118110095-CG-C. GRCh37 (hg19) VCF-style: chr8-119122334-CG-C.
Other names: short protein forms E318fs.
Identifiers: ClinVar variation 3600228 (VCV003600228.1).

ClinVar aggregate classification (germline): Pathogenic (0 of 4 stars; one submission).

Conditions:
Exostoses, multiple, type 1 (EXT1). Also called: Hereditary Multiple Osteochondromatosis, Type I; EXOSTOSES, MULTIPLE, TYPE I. Identifiers: MedGen CN263289, MONDO:0007585, OMIM 133700.

Submission:

Research Laboratory Environment, Inflammation, Signaling and Pathologies, Faculty of Medicine, University of Monastir
Classification: Pathogenic for Exostoses, multiple, type 1. Review status: no assertion criteria provided. Collection method: research. Allele origin: germline. Affected: yes.
Comment: * The novel variant is identified in a gene (EXT1) definitively known to cause the disease (Strong evidence) * The variant is identified in the EXT1 (fully penetrant dominant gene) gene where loss-of-function is a known mechanism of the disease * Patient phenotype is highly specific for the disease (Hereditary multiple exostoses) and the EXT1 gene is reported to be more frequently mutated (70%) * The variant is associated to a complete loss of the glycosyltransferase domain of the protein * The functional mutation prediction tools revealed that the newly identified mutation may affect the EXT1 protein function and lead to the disease occurrence. Similarly, the structure modeling analysis revealed that the identified EXT1 mutation disturbed the predicted three-dimensional structure of the truncated protein and led to the protein’s function loss.